The following is an entry in ClinVar:

ClinVar aggregate classification (germline): Uncertain significance. Review status: criteria provided, multiple submitters, no conflicts (2 of 4 stars). 4 submissions from 4 submitters: Uncertain significance (4). Last evaluated 2024-04-16.

Conditions:
Malignant hyperthermia, susceptibility to, 1 (MHS1). Also called: Malignant hyperthermia suceptibility 1; RYR1-Related Malignant Hyperthermia Susceptibility; Anesthesia related hyperthermia; Malignant hyperpyrexia; Fulminating hyperpyrexia; Pharmacogenic myopathy. Identifiers: Orphanet 423, MedGen C2930980, MONDO:0007783, OMIM 145600.
RYR1-related disorder. Also called: RYR1-related condition; RYR1-related disorders. Identifiers: MedGen CN239331.

Allele frequency attached by ClinVar (database versions not stated): gnomAD 0.00001 and 0.00002; TOPMed 0.00001; ExAC 0.00002; gnomAD exomes 0.00002 and 0.00003.
gnomAD v4.1: 46 of 1,613,958 alleles (0.0029%); highest among the groups gnomAD compares: East Asian, 0.0045%; no homozygotes.

Submissions (4):

All of Us Research Program, National Institutes of Health
Classification: Uncertain significance for Malignant hyperthermia, susceptibility to, 1. Last evaluated: 2024-04-16. Review status: criteria provided, single submitter. Criteria: ACMG Guidelines, 2015. Collection method: clinical testing. Allele origin: germline. Inheritance: Autosomal dominant inheritance. Observed: 7 variant alleles, 7 heterozygotes.
Comment: This missense variant replaces glycine with serine at codon 3742 of the RYR1 protein. Computational prediction suggests that this variant may not impact protein structure and function (internally defined REVEL score threshold <= 0.5, PMID: 27666373). To our knowledge, functional studies have not been reported for this variant. This variant has not been reported in individuals affected with RYR1-related disorders in the literature. This variant has been identified in 5/251358 chromosomes in the general population by the Genome Aggregation Database (gnomAD). The available evidence is insufficient to determine the role of this variant in disease conclusively. Therefore, this variant is classified as a Variant of Uncertain Significance.

This study involves interpretation of variants in research participants for the purpose of population health screening. Participant phenotype was not available at the time of variant classification. Additional details can be found in publication PMID: 35346344, PMCID: PMC8962531

Color Diagnostics, LLC DBA Color Health
Classification: Uncertain significance for Malignant hyperthermia, susceptibility to, 1. Last evaluated: 2024-03-06. Review status: criteria provided, single submitter. Criteria: ACMG Guidelines, 2015. Collection method: clinical testing. Allele origin: germline.
Comment: This missense variant replaces glycine with serine at codon 3742 of the RYR1 protein. Computational prediction suggests that this variant may not impact protein structure and function. To our knowledge, functional studies have not been reported for this variant. This variant has not been reported in individuals affected with RYR1-related disorders in the literature. This variant has been identified in 5/251358 chromosomes in the general population by the Genome Aggregation Database (gnomAD). The available evidence is insufficient to determine the role of this variant in disease conclusively. Therefore, this variant is classified as a Variant of Uncertain Significance.

Labcorp Genetics (formerly Invitae), Labcorp
Classification: Uncertain significance for RYR1-related disorder. Last evaluated: 2022-09-07. Review status: criteria provided, single submitter. Criteria: Invitae Variant Classification Sherloc (09022015). Collection method: clinical testing. Allele origin: germline.
Comment: This sequence change replaces glycine, which is neutral and non-polar, with serine, which is neutral and polar, at codon 3742 of the RYR1 protein (p.Gly3742Ser). This variant is present in population databases (rs774921643, gnomAD 0.006%). This variant has not been reported in the literature in individuals affected with RYR1-related conditions. ClinVar contains an entry for this variant (Variation ID: 664233). Advanced modeling of protein sequence and biophysical properties (such as structural, functional, and spatial information, amino acid conservation, physicochemical variation, residue mobility, and thermodynamic stability) performed at Invitae indicates that this missense variant is not expected to disrupt RYR1 protein function. In summary, the available evidence is currently insufficient to determine the role of this variant in disease. Therefore, it has been classified as a Variant of Uncertain Significance.

Mayo Clinic Laboratories, Mayo Clinic
Classification: Uncertain significance. Last evaluated: 2021-12-28. Review status: criteria provided, single submitter. Criteria: ACMG Guidelines, 2015. Collection method: clinical testing. Allele origin: germline.

NM_000540.3(RYR1):c.11224G>A (p.Gly3742Ser)

Gene: RYR1 (ryanodine receptor 1; plus strand). Cytogenetic location: 19q13.2.
Variant type: single nucleotide variant.
Coding change: c.11224G>A on transcript NM_000540.3 (MANE Select); coding-DNA position 11224, G replaced by A.
Protein change: p.Gly3742Ser; replaces glycine 3742 with serine.
Molecular consequence: missense variant.
Genome position (GRCh38, 1-based): chr19:38,532,701, G>A. VCF-style: chr19-38532701-G-A. GRCh37 (hg19) VCF-style: chr19-39023341-G-A.
Other names: p.Gly3742Ser; c.11209G>A, p.Gly3737Ser (NM_001042723.2); short protein forms G3737S, G3742S.
Identifiers: ClinVar variation 664233 (VCV000664233.14), dbSNP rs774921643, ClinGen allele CA056396.
Genomic context (GRCh38, chr19:38,532,701, plus strand): 5'-TTCATCCCTTAACTGATGCCCCCTCCCCAGAGCTGCCACCTGGAGGAGGGAGGGGAGAAC[G>A]GTGAAGCTGAAGAGGAGGTTGAGGTCTCCTTTGAGGTAGGTGGGCTCAGGAGGTCCTGGA-3'
Protein context (NP_000531.2, residues 3732-3752): SCHLEEGGEN[Gly3742Ser]EAEEEVEVSF